The following is an entry in ClinVar:

NM_005751.5(AKAP9):c.2951A>G (p.Lys984Arg)

Gene: AKAP9 (A-kinase anchoring protein 9; plus strand). Cytogenetic location: 7q21.2.
Variant type: single nucleotide variant.
Coding change: c.2951A>G on transcript NM_005751.5 (MANE Select); coding-DNA position 2951, A replaced by G.
Protein change: p.Lys984Arg; replaces lysine 984 with arginine.
Molecular consequence: missense variant.
Genome position (GRCh38, 1-based): chr7:92,002,868, A>G. VCF-style: chr7-92002868-A-G. GRCh37 (hg19) VCF-style: chr7-91632182-A-G.
Other names: c.2951A>G, p.Lys984Arg (NM_147185.3); short protein forms K984R.
Identifiers: ClinVar variation 863094 (VCV000863094.11), dbSNP rs765992335, ClinGen allele CA4336220.

ClinVar aggregate classification (germline): Uncertain significance. Review status: criteria provided, multiple submitters, no conflicts (2 of 4 stars). 2 submissions from 2 submitters: Uncertain significance (2). Last evaluated 2025-08-13.

Conditions:
Cardiovascular phenotype. Identifiers: MedGen CN230736.
Long QT syndrome (LQTS). Identifiers: MedGen C0023976, MeSH D008133, MONDO:0002442. Disease mechanism: loss of function. Inheritance: Various modes of inheritance.

Allele frequency attached by ClinVar (database versions not stated): gnomAD exomes 0.00002 and 0.00004; TOPMed 0.00003; ExAC 0.00005.
gnomAD v4.1: 10 of 1,612,940 alleles (0.00062%); highest among the groups gnomAD compares: Admixed American, 0.017%; no homozygotes.

Submissions (2):

Labcorp Genetics (formerly Invitae), Labcorp
Classification: Uncertain significance for Long QT syndrome. Last evaluated: 2025-08-13. Review status: criteria provided, single submitter. Criteria: Invitae Variant Classification Sherloc (09022015). Collection method: clinical testing. Allele origin: germline.
Comment: This sequence change replaces lysine, which is basic and polar, with arginine, which is basic and polar, at codon 984 of the AKAP9 protein (p.Lys984Arg). This variant is present in population databases (rs765992335, gnomAD 0.03%). This variant has not been reported in the literature in individuals affected with AKAP9-related conditions. ClinVar contains an entry for this variant (Variation ID: 863094). An algorithm developed to predict the effect of missense changes on protein structure and function (PolyPhen-2) suggests that this variant is likely to be disruptive. In summary, the available evidence is currently insufficient to determine the role of this variant in disease. Therefore, it has been classified as a Variant of Uncertain Significance.

Ambry Genetics
Classification: Uncertain significance for Cardiovascular phenotype. Last evaluated: 2019-11-21. Review status: criteria provided, single submitter. Criteria: Ambry Variant Classification Scheme 2023. Collection method: clinical testing. Allele origin: germline.
Comment: The p.K984R variant (also known as c.2951A>G), located in coding exon 8 of the AKAP9 gene, results from an A to G substitution at nucleotide position 2951. The lysine at codon 984 is replaced by arginine, an amino acid with highly similar properties. This amino acid position is well conserved in available vertebrate species. In addition, this alteration is predicted to be tolerated by in silico analysis. Since supporting evidence is limited at this time, the clinical significance of this alteration remains unclear.